The following is an entry in ClinVar:

ClinVar aggregate classification (germline): Likely benign (1 of 4 stars; one submission).

Allele frequency attached by ClinVar (database versions not stated): gnomAD 0.00011; gnomAD exomes 0.00017; TOPMed 0.00017.
gnomAD v4.1: 58 of 398,528 alleles (0.015%); highest among the groups gnomAD compares: Middle Eastern, 0.19%; 1 homozygote.

Submission:

CeGaT Center for Human Genetics Tuebingen
Classification: Likely benign. Last evaluated: 2023-04-01. Review status: criteria provided, single submitter. Criteria: CeGaT Center For Human Genetics Tuebingen Variant Classification Criteria Version 2. Collection method: clinical testing. Allele origin: germline. Affected: yes. Observed: 2 variant alleles.
Comment: CSNK2A1: BP4, BP7

NM_177559.3(CSNK2A1):c.213+1629T>C

Gene: CSNK2A1 (casein kinase 2 alpha 1; minus strand). Cytogenetic location: 20p13.
Variant type: single nucleotide variant.
Coding change: c.213+1629T>C on transcript NM_177559.3 (MANE Select); 1629 bases into the intron after coding-DNA position 213, T replaced by C.
Molecular consequence: intron variant.
Genome position (GRCh38, 1-based): chr20:503,489, A>G on the plus strand (T>C on the coding strand, the complement: CSNK2A1 is on the minus strand). VCF-style: chr20-503489-A-G. GRCh37 (hg19) VCF-style: chr20-484133-A-G.
Other names: c.-196+1629T>C (NM_177560.3); c.213+1629T>C (NM_001362771.2, NM_001895.4, NM_001362770.2).
Identifiers: ClinVar variation 2652129 (VCV002652129.24), dbSNP rs867470477, ClinGen allele CA310641390.